The following is an entry in ClinVar:

NM_007294.4(BRCA1):c.3704del (p.Asn1235fs)

Genes: BRCA1 (BRCA1 DNA repair associated; minus strand), LOC126862571 (BRD4-independent group 4 enhancer GRCh37_chr17:41243136-41244335; plus strand). Cytogenetic location: 17q21.31.
Variant type: Deletion.
Coding change: c.3704del on transcript NM_007294.4 (MANE Select); coding-DNA position 3704, one base deleted (A; older notation c.3704delA).
Protein change: p.Asn1235fs; shifts the reading frame from asparagine 1235.
Molecular consequence: frameshift variant. On other transcripts: intron variant (135).
Genome position (GRCh38, 1-based): chr17:43,091,827, T deleted on the plus strand (A on the coding strand, the reverse complement: BRCA1 is on the minus strand); the first of 3 consecutive T bases (chr17:43,091,827-43,091,829); deleting any one gives the same sequence. VCF-style (leftmost placement, unchanged base first): chr17-43091826-GT-G. GRCh37 (hg19) VCF-style: chr17-41243843-GT-G.
Other names: 3823delA; c.3491del, p.Asn1164fs (NM_001407915.1, NM_001407916.1, NM_001407917.1 and 9 more transcripts); c.3581del, p.Asn1194fs (NM_001407919.1, NM_001407937.1, NM_001407938.1 and 19 more transcripts); c.3440del, p.Asn1147fs (NM_001407920.1, NM_001407921.1, NM_001407922.1 and 9 more transcripts); c.3437del, p.Asn1146fs (NM_001407930.1, NM_001407931.1, NM_001407932.1 and 2 more transcripts); c.3578del, p.Asn1193fs (NM_001407940.1, NM_001407941.1, NM_001407649.1 and 11 more transcripts); c.3563del, p.Asn1188fs (NM_001407942.1, NM_001407944.1, NM_001407945.1 and 29 more transcripts); c.3560del, p.Asn1187fs (NM_001407943.1, NM_001407964.1, NM_001407740.1 and 20 more transcripts); and 43 more; short protein forms N1235fs, N1188fs, N1146fs, N1193fs, N1209fs, N1232fs, N1234fs, N1124fs.
Identifiers: ClinVar variation 54967 (VCV000054967.7), dbSNP rs397509095, ClinGen allele CA002373.
Genomic context (GRCh38, chr17:43,091,826, plus strand): 5'-GTTCTTAGACAGACACTCGGTAGCAACGGTGCTATGCCTAGTAGACTGAGAAGGTATATT[GT>G]TTACTTTACCAAATAACAAGTGTTGGAAGCAGGGAAGCTCTTCATCCTCACTAGATAAGT-3'

ClinVar aggregate classification (germline): Pathogenic. Review status: reviewed by expert panel (3 of 4 stars). 2 submissions from 2 submitters: Pathogenic (1). 1 of the submissions does not count toward it. Last evaluated 2016-10-18.

Conditions:
Breast-ovarian cancer, familial, susceptibility to, 1 (BROVCA1). Also called: BRCA1 Hereditary Breast and Ovarian Cancer; OVARIAN CANCER, SUSCEPTIBILITY TO. Identifiers: Orphanet 145, MedGen C2676676, MONDO:0011450, OMIM 604370. Disease mechanism: loss of function.

Submissions (2):

Evidence-based Network for the Interpretation of Germline Mutant Alleles (ENIGMA)
Classification: Pathogenic for Breast-ovarian cancer, familial, susceptibility to, 1. Last evaluated: 2016-10-18. Review status: reviewed by expert panel. Criteria: ENIGMA BRCA1/2 Classification Criteria (2015). Collection method: curation. Allele origin: germline.
Comment: Variant allele predicted to encode a truncated non-functional protein.

Consortium of Investigators of Modifiers of BRCA1/2 (CIMBA), c/o University of Cambridge
Classification: Pathogenic for Breast-ovarian cancer, familial, susceptibility to, 1. Last evaluated: 2015-10-02. Review status: criteria provided, single submitter. Criteria: CIMBA Mutation Classification guidelines May 2016. Collection method: clinical testing. Allele origin: germline. Not counted in ClinVar's aggregate classification.